The following is an entry in ClinVar:

NM_002474.3(MYH11):c.4691G>T (p.Arg1564Leu)

Genes: NDE1 (nudE neurodevelopment protein 1; plus strand), MYH11 (myosin heavy chain 11; minus strand). Cytogenetic location: 16p13.11.
Variant type: single nucleotide variant.
Coding change: c.4691G>T on transcript NM_002474.3 (MANE Select); coding-DNA position 4691, G replaced by T.
Protein change: p.Arg1564Leu; replaces arginine 1564 with leucine.
Molecular consequence: missense variant. On other transcripts: intron variant (2).
Genome position (GRCh38, 1-based): chr16:15,720,939, C>A on the plus strand (G>T on the coding strand, the complement: MYH11 is on the minus strand). VCF-style: chr16-15720939-C-A. GRCh37 (hg19) VCF-style: chr16-15814796-C-A.
Other names: c.4712G>T, p.Arg1571Leu (NM_001040113.2, NM_001040114.2); c.4691G>T, p.Arg1564Leu (NM_022844.3); c.948-3252C>A (NM_001143979.2, NM_017668.3); short protein forms R1564L, R1571L.
Identifiers: ClinVar variation 2821464 (VCV002821464.3), dbSNP rs2040437847, ClinGen allele CA394853996.
Genomic context (GRCh38, chr16:15,720,939, plus strand): 5'-TCCCGGGCTTGGAGATCCCTTTCGAACTGGCCCTTGAGCGCCTGCATGTTGACTTCCAGC[C>A]GCAGTTTGGCGTCCTCCGTGGCTTGCAGCTCGTCCTCCAGCTCTTCCAGCTGCGTCTTCA-3'
Protein context (NP_002465.1, residues 1554-1574): ELQATEDAKL[Arg1564Leu]LEVNMQALKG

ClinVar aggregate classification (germline): Uncertain significance (1 of 4 stars; one submission).

Conditions:
Aortic aneurysm, familial thoracic 4 (AAT4). Also called: AORTIC ANEURYSM/AORTIC DISSECTION AND PATENT DUCTUS ARTERIOSUS. Identifiers: MedGen C1851504, MONDO:0007568, OMIM 132900.

Submission:

Labcorp Genetics (formerly Invitae), Labcorp
Classification: Uncertain significance for Aortic aneurysm, familial thoracic 4. Last evaluated: 2022-12-16. Review status: criteria provided, single submitter. Criteria: Invitae Variant Classification Sherloc (09022015). Collection method: clinical testing. Allele origin: germline.
Comment: This variant has not been reported in the literature in individuals affected with MYH11-related conditions. This variant is not present in population databases (gnomAD no frequency). This sequence change replaces arginine, which is basic and polar, with leucine, which is neutral and non-polar, at codon 1571 of the MYH11 protein (p.Arg1571Leu). Advanced modeling of protein sequence and biophysical properties (such as structural, functional, and spatial information, amino acid conservation, physicochemical variation, residue mobility, and thermodynamic stability) performed at Invitae indicates that this missense variant is not expected to disrupt MYH11 protein function. In summary, the available evidence is currently insufficient to determine the role of this variant in disease. Therefore, it has been classified as a Variant of Uncertain Significance.